The following is an entry in ClinVar:

NM_001142966.3(GREB1L):c.506A>G (p.Asp169Gly)

Genes: GREB1L (GREB1 like retinoic acid receptor coactivator; plus strand), GREB1L-AS1 (GREB1L antisense RNA 1; minus strand). Cytogenetic location: 18q11.1.
Variant type: single nucleotide variant.
Coding change: c.506A>G on transcript NM_001142966.3 (MANE Select); coding-DNA position 506, A replaced by G.
Protein change: p.Asp169Gly; replaces aspartic acid 169 with glycine.
Molecular consequence: missense variant.
Genome position (GRCh38, 1-based): chr18:21,395,535, A>G. VCF-style: chr18-21395535-A-G. GRCh37 (hg19) VCF-style: chr18-18975496-A-G.
Other names: c.506A>G, p.Asp169Gly (NM_001410867.1, NM_001410868.1); short protein forms D169G.
Identifiers: ClinVar variation 4989421 (VCV004989421.1).
Genomic context (GRCh38, chr18:21,395,535, plus strand): 5'-AGTCTCCCAATCTGCCTGAACACATCCTAGTTTGTGCTGTGGACAAGCGATTTCTACCAG[A>G]TGATCATGGAAAAAATGCACTTTTAGGTGAGTGTTTCATGCTTATAAAATTCCTTCCAAT-3'
Protein context (NP_001136438.1, residues 159-179): VCAVDKRFLP[Asp169Gly]DHGKNALLGF

ClinVar aggregate classification (germline): Uncertain significance (1 of 4 stars; one submission).

Conditions:
GREB1L-related disorder. Also called: GREB1L-related condition.

gnomAD v4.1: 2 of 1,549,916 alleles (0.00013%); highest among the groups gnomAD compares: African/African-American, 0.0027%; no homozygotes.

Submission:

PreventionGenetics, part of Exact Sciences
Classification: Uncertain significance for GREB1L-related condition. Last evaluated: 2026-04-25. Review status: criteria provided, single submitter. Criteria: ACMG Guidelines, 2015. Collection method: clinical testing. Allele origin: germline.
Comment: The GREB1L c.506A>G variant is predicted to result in the amino acid substitution p.Asp169Gly. To our knowledge, this variant has not been reported in the literature. This variant is reported in 0.003% of alleles in individuals of African descent in gnomAD. At this time, the clinical significance of this variant is uncertain due to the absence of conclusive functional and genetic evidence.